The following is an entry in ClinVar:

NM_005876.5(SPEG):c.4370G>A (p.Arg1457Gln)

Gene: SPEG (striated muscle enriched protein kinase; plus strand). Cytogenetic location: 2q35.
Variant type: single nucleotide variant.
Coding change: c.4370G>A on transcript NM_005876.5 (MANE Select); coding-DNA position 4370, G replaced by A.
Protein change: p.Arg1457Gln; replaces arginine 1457 with glutamine.
Molecular consequence: missense variant.
Genome position (GRCh38, 1-based): chr2:219,473,826, G>A. VCF-style: chr2-219473826-G-A. GRCh37 (hg19) VCF-style: chr2-220338548-G-A.
Other names: short protein forms R1457Q.
Identifiers: ClinVar variation 1396665 (VCV001396665.7), dbSNP rs752216303, ClinGen allele CA2126477.

ClinVar aggregate classification (germline): Uncertain significance. Review status: criteria provided, multiple submitters, no conflicts (2 of 4 stars). 3 submissions from 3 submitters: Uncertain significance (3). Last evaluated 2024-12-31.

Allele frequency attached by ClinVar (database versions not stated): TOPMed below 0.00001; ExAC 0.00003; gnomAD exomes 0.00003 and 0.00005.
gnomAD v4.1: 70 of 1,613,810 alleles (0.0043%); highest among the groups gnomAD compares: Non-Finnish European, 0.005%; no homozygotes.

Submissions (3):

Women's Health and Genetics/Laboratory Corporation of America, LabCorp
Classification: Uncertain significance. Last evaluated: 2024-12-31. Review status: criteria provided, single submitter. Criteria: LabCorp Variant Classification Summary - May 2015. Collection method: clinical testing. Allele origin: germline.
Comment: Variant summary: SPEG c.4370G>A (p.Arg1457Gln) results in a conservative amino acid change in the encoded protein sequence. Four of five in-silico tools predict a benign effect of the variant on protein function. The variant allele was found at a frequency of 2.8e-05 in 249230 control chromosomes. The available data on variant occurrences in the general population are insufficient to allow any conclusion about variant significance. To our knowledge, no occurrence of c.4370G>A in individuals affected with Myopathy, Centronuclear, 5 and no experimental evidence demonstrating its impact on protein function have been reported. ClinVar contains an entry for this variant (Variation ID: 1396665). Based on the evidence outlined above, the variant was classified as uncertain significance.

Labcorp Genetics (formerly Invitae), Labcorp
Classification: Uncertain significance. Last evaluated: 2022-01-12. Review status: criteria provided, single submitter. Criteria: Invitae Variant Classification Sherloc (09022015). Collection method: clinical testing. Allele origin: germline.
Comment: This sequence change replaces arginine, which is basic and polar, with glutamine, which is neutral and polar, at codon 1457 of the SPEG protein (p.Arg1457Gln). This variant is present in population databases (rs752216303, gnomAD 0.01%). This variant has not been reported in the literature in individuals affected with SPEG-related conditions. Algorithms developed to predict the effect of missense changes on protein structure and function are either unavailable or do not agree on the potential impact of this missense change (SIFT: "Tolerated"; PolyPhen-2: "Possibly Damaging"; Align-GVGD: "Class C0"). In summary, the available evidence is currently insufficient to determine the role of this variant in disease. Therefore, it has been classified as a Variant of Uncertain Significance.

Breakthrough Genomics
Classification: Uncertain significance. Review status: criteria provided, single submitter. Criteria: ACMG Guidelines, 2015. Collection method: not provided. Allele origin: germline. Inheritance: Autosomal recessive inheritance. Affected: yes.